The following is an entry in ClinVar:

ClinVar aggregate classification (germline): Likely benign (1 of 4 stars; one submission).

Allele frequency attached by ClinVar (database versions not stated): gnomAD 0.00001; gnomAD exomes 0.00001; TOPMed 0.00002.
gnomAD v4.1: 17 of 1,614,046 alleles (0.0011%); highest among the groups gnomAD compares: Non-Finnish European, 0.0014%; no homozygotes.

Submission:

CeGaT Center for Human Genetics Tuebingen
Classification: Likely benign. Last evaluated: 2022-09-01. Review status: criteria provided, single submitter. Criteria: CeGaT Center For Human Genetics Tuebingen Variant Classification Criteria Version 2. Collection method: clinical testing. Allele origin: germline. Affected: yes. Observed: 1 variant allele.
Comment: OMG: BP4

NM_002544.5(OMG):c.1266G>C (p.Trp422Cys)

Genes: NF1 (neurofibromin 1; plus strand), OMG (oligodendrocyte myelin glycoprotein; minus strand). Cytogenetic location: 17q11.2.
Variant type: single nucleotide variant.
Coding change: c.1266G>C on transcript NM_002544.5 (MANE Select); coding-DNA position 1266, G replaced by C.
Protein change: p.Trp422Cys; replaces tryptophan 422 with cysteine.
Molecular consequence: missense variant. On other transcripts: intron variant (2).
Genome position (GRCh38, 1-based): chr17:31,295,066, C>G on the plus strand (G>C on the coding strand, the complement: OMG is on the minus strand). VCF-style: chr17-31295066-C-G. GRCh37 (hg19) VCF-style: chr17-29622084-C-G.
Other names: c.4835+29727C>G (NM_001042492.3); c.4772+29727C>G (NM_000267.4); short protein forms W422C.
Identifiers: ClinVar variation 2647633 (VCV002647633.24), dbSNP rs1416032870, ClinGen allele CA398984128.